The following is an entry in ClinVar:

NM_176787.5(PIGN):c.1348G>A (p.Gly450Ser)

Gene: PIGN (phosphatidylinositol glycan anchor biosynthesis class N; minus strand). Cytogenetic location: 18q21.33.
Variant type: single nucleotide variant.
Coding change: c.1348G>A on transcript NM_176787.5 (MANE Select); coding-DNA position 1348, G replaced by A.
Protein change: p.Gly450Ser; replaces glycine 450 with serine.
Molecular consequence: missense variant. On other transcripts: intron variant (1).
Genome position (GRCh38, 1-based): chr18:62,113,220, C>T on the plus strand (G>A on the coding strand, the complement: PIGN is on the minus strand). VCF-style: chr18-62113220-C-T. GRCh37 (hg19) VCF-style: chr18-59780453-C-T.
Other names: p.Gly450Ser; c.1348G>A, p.Gly450Ser (NM_001438896.1, NM_001438904.1, NM_001438905.1 and 1 more transcripts); c.1173-6135G>A (NM_001438910.1); short protein forms G450S.
Identifiers: ClinVar variation 4542269 (VCV004542269.1).
Genomic context (GRCh38, chr18:62,113,220, plus strand): 5'-TAAGGTTGGAATGAGACTTGATGATCAACAAAGAGGCATAAGATATCCATCCCACAAAAC[C>T]AATAACAACATTGACGCCCAAAAAGAATCTGTCATATGTGTGATAATAGGACAATCCTTT-3'
Protein context (NP_789744.1, residues 440-460): RFFLGVNVVI[Gly450Ser]FVGWISYASL

ClinVar aggregate classification (germline): Uncertain significance (1 of 4 stars; one submission).

gnomAD v4.1: 1 of 1,612,822 alleles (0.000062%); highest among the groups gnomAD compares: Admixed American, 0.0017%; no homozygotes.

Submission:

Mayo Clinic Laboratories, Mayo Clinic
Classification: Uncertain significance. Last evaluated: 2025-06-21. Review status: criteria provided, single submitter. Criteria: ACMG Guidelines, 2015. Collection method: clinical testing. Allele origin: germline. Observed: 1 variant allele.
Comment: PM2_supporting